The following is an entry in ClinVar:

NM_001030001.4(RPS29):c.195A>G (p.Leu65=)

Gene: RPS29 (ribosomal protein S29; minus strand). Cytogenetic location: 14q21.3.
Variant type: single nucleotide variant.
Coding change: c.195A>G on transcript NM_001030001.4; coding-DNA position 195, A replaced by G.
Protein change: p.Leu65=; no amino-acid change (leucine 65 retained).
Molecular consequence: synonymous variant.
Genome position (GRCh38, 1-based): chr14:49,577,821, T>C on the plus strand (A>G on the coding strand, the complement: RPS29 is on the minus strand). VCF-style: chr14-49577821-T-C. GRCh37 (hg19) VCF-style: chr14-50044539-T-C.
Identifiers: ClinVar variation 3054139 (VCV003054139.3), dbSNP rs769169200, ClinGen allele CA7171857.
Genomic context (GRCh38, chr14:49,577,821, plus strand): 5'-TCTTGGGCTTCGCGAGCGGTCTCAGGATGGCCATGATGGAGGAGATGGGTGTCACCTCCA[T>C]AGGCAGTGCCAAGGAAGACAGCTCAGGTCTTTCTGTAATGGTAAAAGAGGACCCATAAAA-3'

ClinVar aggregate classification (germline): Likely benign. Review status: criteria provided, single submitter (1 of 4 stars). 2 submissions from 2 submitters: Likely benign (1). 1 of the submissions does not count toward it. Last evaluated 2024-07-31.

Conditions:
RPS29-related disorder. Also called: RPS29-related condition.

Allele frequency attached by ClinVar (database versions not stated): gnomAD 0.00002; gnomAD exomes 0.00002; TOPMed 0.00003.
gnomAD v4.1: 37 of 1,603,256 alleles (0.0023%); highest among the groups gnomAD compares: Non-Finnish European, 0.0029%; no homozygotes.

Submissions (2):

Blueprint Genetics
Classification: Likely benign. Last evaluated: 2024-07-31. Review status: criteria provided, single submitter. Criteria: ACMG Guidelines, 2015. Collection method: clinical testing. Allele origin: germline.

PreventionGenetics, part of Exact Sciences
Classification: Likely benign for RPS29-related condition. Last evaluated: 2023-06-05. Review status: no assertion criteria provided. Collection method: clinical testing. Allele origin: germline. Not counted in ClinVar's aggregate classification.
Comment: This variant is classified as likely benign based on ACMG/AMP sequence variant interpretation guidelines (Richards et al. 2015 PMID: 25741868, with internal and published modifications).